The following is an entry in ClinVar:

ClinVar aggregate classification (germline): Conflicting classifications of pathogenicity. Review status: criteria provided, conflicting classifications (1 of 4 stars). 2 submissions from 2 submitters: Uncertain significance (1); Likely benign (1). Last evaluated 2025-07-30.

Conditions:
Epilepsy, familial focal, with variable foci 3 (FFEVF3). Identifiers: MedGen C4310708, MONDO:0014925, OMIM 617118.

Allele frequency attached by ClinVar (database versions not stated): gnomAD 0.00002 and 0.00003; gnomAD exomes 0.00002 and 0.00004; TOPMed 0.00003; ExAC 0.00004; 1000 Genomes Project 30x 0.00016; 1000 Genomes Project 0.00020.

Submissions (2):

Labcorp Genetics (formerly Invitae), Labcorp
Classification: Uncertain significance for Epilepsy, familial focal, with variable foci 3. Last evaluated: 2025-07-30. Review status: criteria provided, single submitter. Criteria: Invitae Variant Classification Sherloc (09022015). Collection method: clinical testing. Allele origin: germline.
Comment: This sequence change replaces arginine, which is basic and polar, with histidine, which is basic and polar, at codon 400 of the NPRL3 protein (p.Arg400His). This variant is present in population databases (rs535478389, gnomAD 0.009%). This variant has not been reported in the literature in individuals affected with NPRL3-related conditions. ClinVar contains an entry for this variant (Variation ID: 1053945). Invitae Evidence Modeling of protein sequence and biophysical properties (such as structural, functional, and spatial information, amino acid conservation, physicochemical variation, residue mobility, and thermodynamic stability) indicates that this missense variant is not expected to disrupt NPRL3 protein function with a negative predictive value of 80%. In summary, the available evidence is currently insufficient to determine the role of this variant in disease. Therefore, it has been classified as a Variant of Uncertain Significance.

GeneDx
Classification: Likely benign. Last evaluated: 2019-07-03. Review status: criteria provided, single submitter. Criteria: GeneDx Variant Classification Process June 2021. Collection method: clinical testing. Allele origin: germline. Affected: yes.

NM_001077350.3(NPRL3):c.1199G>A (p.Arg400His)

Genes: HBA-LCR (alpha-globin locus control region; plus strand), NPRL3 (NPR3 like, GATOR1 complex subunit; minus strand). Cytogenetic location: 16p13.3.
Variant type: single nucleotide variant.
Coding change: c.1199G>A on transcript NM_001077350.3 (MANE Select); coding-DNA position 1199, G replaced by A.
Protein change: p.Arg400His; replaces arginine 400 with histidine.
Molecular consequence: missense variant.
Genome position (GRCh38, 1-based): chr16:89,865, C>T on the plus strand (G>A on the coding strand, the complement: NPRL3 is on the minus strand). VCF-style: chr16-89865-C-T. GRCh37 (hg19) VCF-style: chr16-139863-C-T.
Other names: c.662G>A, p.Arg221His (NM_001039476.3); c.965G>A, p.Arg322His (NM_001243247.2); c.1124G>A, p.Arg375His (NM_001243248.2, NM_001243249.2); short protein forms R221H, R322H, R375H, R400H.
Identifiers: ClinVar variation 1053945 (VCV001053945.12), dbSNP rs535478389, ClinGen allele CA7769414.